The following is an entry in ClinVar:

ClinVar aggregate classification (germline): Pathogenic (1 of 4 stars; one submission).

Conditions:
Perlman syndrome (PRLMNS). Identifiers: Orphanet 2849, MedGen C0796113, MONDO:0009965, OMIM 267000.

Submission:

Labcorp Genetics (formerly Invitae), Labcorp
Classification: Pathogenic for Perlman syndrome. Last evaluated: 2023-12-06. Review status: criteria provided, single submitter. Criteria: Invitae Variant Classification Sherloc (09022015). Collection method: clinical testing. Allele origin: germline.
Comment: This variant is a gross deletion of the genomic region encompassing exon(s) 10-13 of the DIS3L2 gene. This deletion is out-of-frame, and is expected to create a premature termination codon and result in an absent or disrupted protein product. Loss-of-function variants in DIS3L2 are known to be pathogenic (PMID: 22306653, 28328139). This variant has not been reported in the literature in individuals affected with DIS3L2-related conditions. For these reasons, this variant has been classified as Pathogenic.

Literature cited by the submitters: PubMed 22306653; PubMed 28328139.

NC_000002.11:g.(?_233075026)_(233128160_?)del

Gene: DIS3L2 (DIS3 like 3'-5' exoribonuclease 2; plus strand). Cytogenetic location: 2q37.1.
Variant type: Deletion.
Identifiers: ClinVar variation 2427364 (VCV002427364.4).